The following is an entry in ClinVar:

ClinVar aggregate classification (germline): Uncertain significance (1 of 4 stars; one submission).

Conditions:
Naxos disease (NXD). Also called: KERATOSIS PALMOPLANTARIS WITH ARRHYTHMOGENIC CARDIOMYOPATHY; MAL DE NAXOS; PALMOPLANTAR KERATODERMA WITH ARRHYTHMOGENIC RIGHT VENTRICULAR CARDIOMYOPATHY AND WOOLLY HAIR; WOOLLY HAIR, PALMOPLANTAR KERATODERMA, AND CARDIAC ABNORMALITIES; CARDIOMYOPATHY, ARRHYTHMOGENIC RIGHT VENTRICULAR, WITH SKIN, HAIR, AND NAIL ABNORMALITIES. Identifiers: Orphanet 34217, MedGen C1832600, MONDO:0011017, OMIM 601214.
Arrhythmogenic right ventricular dysplasia 12. Also called: ARRHYTHMOGENIC RIGHT VENTRICULAR DYSPLASIA, FAMILIAL, 12. Identifiers: MedGen C1969081, MONDO:0012684, OMIM 611528.

Submission:

Labcorp Genetics (formerly Invitae), Labcorp
Classification: Uncertain significance for Arrhythmogenic right ventricular dysplasia 12; Naxos disease. Last evaluated: 2024-06-14. Review status: criteria provided, single submitter. Criteria: Invitae Variant Classification Sherloc (09022015). Collection method: clinical testing. Allele origin: germline.
Comment: This sequence change replaces isoleucine, which is neutral and non-polar, with valine, which is neutral and non-polar, at codon 524 of the JUP protein (p.Ile524Val). This variant is not present in population databases (gnomAD no frequency). This variant has not been reported in the literature in individuals affected with JUP-related conditions. An algorithm developed to predict the effect of missense changes on protein structure and function (PolyPhen-2) suggests that this variant is likely to be tolerated. In summary, the available evidence is currently insufficient to determine the role of this variant in disease. Therefore, it has been classified as a Variant of Uncertain Significance.

NM_002230.4(JUP):c.1570A>G (p.Ile524Val)

Gene: JUP (junction plakoglobin; minus strand). Cytogenetic location: 17q21.2.
Variant type: single nucleotide variant.
Coding change: c.1570A>G on transcript NM_002230.4 (MANE Select); coding-DNA position 1570, A replaced by G.
Protein change: p.Ile524Val; replaces isoleucine 524 with valine.
Molecular consequence: missense variant.
Genome position (GRCh38, 1-based): chr17:41,758,798, T>C on the plus strand (A>G on the coding strand, the complement: JUP is on the minus strand). VCF-style: chr17-41758798-T-C. GRCh37 (hg19) VCF-style: chr17-39915050-T-C.
Other names: c.1570A>G, p.Ile524Val (NM_001352773.2, NM_001352774.2, NM_001352775.2 and 3 more transcripts); short protein forms I524V.
Identifiers: ClinVar variation 3751620 (VCV003751620.2).